The following is an entry in ClinVar:

ClinVar aggregate classification (germline): Conflicting classifications of pathogenicity. Review status: criteria provided, conflicting classifications (1 of 4 stars). 8 submissions from 8 submitters: Uncertain significance (5); Benign (1); Likely benign (1). 1 of the submissions does not count toward it. Last evaluated 2026-01-19.

Conditions:
Inborn genetic diseases. Identifiers: MedGen C0950123, MeSH D030342.
Pitt-Hopkins-like syndrome 2 (PTHSL2). Identifiers: Orphanet 221150, Orphanet 600663, MedGen C3280479, MONDO:0013690, OMIM 614325.
Chromosome 2p16.3 deletion syndrome. Identifiers: MedGen C3808494, MONDO:0013696, OMIM 614332.
NRXN1-related disorder.

Allele frequency attached by ClinVar (database versions not stated): ExAC 0.00063; TOPMed 0.00044; gnomAD exomes 0.00084 and 0.00039; gnomAD 0.00043 and 0.00044; ESP Exome Variant Server 0.00066.
gnomAD v4.1: 685 of 1,613,814 alleles (0.042%); highest among the groups gnomAD compares: Admixed American, 0.018%; 4 homozygotes.

Submissions (8):

Labcorp Genetics (formerly Invitae), Labcorp
Classification: Benign for Pitt-Hopkins-like syndrome 2. Last evaluated: 2026-01-19. Review status: criteria provided, single submitter. Criteria: Invitae Variant Classification Sherloc (09022015). Collection method: clinical testing. Allele origin: germline.

GeneDx
Classification: Likely benign. Last evaluated: 2021-02-09. Review status: criteria provided, single submitter. Criteria: GeneDx Variant Classification Process June 2021. Collection method: clinical testing. Allele origin: germline. Affected: yes.

Ambry Genetics
Classification: Uncertain significance for Inborn genetic diseases. Last evaluated: 2019-04-04. Review status: criteria provided, single submitter. Criteria: Ambry Variant Classification Scheme 2023. Collection method: clinical testing. Allele origin: germline.
Comment: The p.L909M variant (also known as c.2725C>A), located in coding exon 14 of the NRXN1 gene, results from a C to A substitution at nucleotide position 2725. The leucine at codon 909 is replaced by methionine, an amino acid with highly similar properties. This amino acid position is highly conserved in available vertebrate species. In addition, this alteration is predicted to be tolerated by in silico analysis. Since supporting evidence is limited at this time, the clinical significance of this alteration remains unclear.

Illumina Laboratory Services, Illumina
Classification: Uncertain significance for Pitt-Hopkins-like syndrome 2. Last evaluated: 2018-01-13. Review status: criteria provided, single submitter. Criteria: ICSL Variant Classification Criteria 13 December 2019. Collection method: clinical testing. Allele origin: germline.

Fulgent Genetics
Classification: Uncertain significance for Pitt-Hopkins-like syndrome 2; Chromosome 2p16.3 deletion syndrome. Last evaluated: 2017-05-23. Review status: criteria provided, single submitter. Criteria: ACMG Guidelines, 2015. Collection method: clinical testing. Allele origin: unknown.

Genetic Services Laboratory, University of Chicago
Classification: Uncertain significance. Last evaluated: 2015-06-24. Review status: criteria provided, single submitter. Criteria: ACMG Guidelines, 2015. Collection method: clinical testing. Allele origin: germline.

Eurofins Ntd Llc (ga)
Classification: Uncertain significance. Last evaluated: 2013-03-08. Review status: criteria provided, single submitter. Criteria: EGL Classification Definitions 2015. Collection method: clinical testing. Allele origin: germline. Observed: 1 variant allele, 1 heterozygote.

PreventionGenetics, part of Exact Sciences
Classification: Benign for NRXN1-related condition. Last evaluated: 2019-07-02. Review status: no assertion criteria provided. Collection method: clinical testing. Allele origin: germline. Not counted in ClinVar's aggregate classification.
Comment: This variant is classified as benign based on ACMG/AMP sequence variant interpretation guidelines (Richards et al. 2015 PMID: 25741868, with internal and published modifications).

NM_001330078.2(NRXN1):c.2605C>A (p.Leu869Met)

Gene: NRXN1 (neurexin 1; minus strand). Cytogenetic location: 2p16.3.
Variant type: single nucleotide variant.
Coding change: c.2605C>A on transcript NM_001330078.2 (MANE Select); coding-DNA position 2605, C replaced by A.
Protein change: p.Leu869Met; replaces leucine 869 with methionine.
Molecular consequence: missense variant.
Genome position (GRCh38, 1-based): chr2:50,497,607, G>T on the plus strand (C>A on the coding strand, the complement: NRXN1 is on the minus strand). VCF-style: chr2-50497607-G-T. GRCh37 (hg19) VCF-style: chr2-50724745-G-T.
Other names: p.L909M:CTG>ATG; c.2725C>A, p.Leu909Met (NM_001135659.3); c.2581C>A, p.Leu861Met (NM_001330077.2, NM_001330082.2); c.2539C>A, p.Leu847Met (NM_001330083.2, NM_001330084.2); c.2578C>A, p.Leu860Met (NM_001330085.2); c.2605C>A, p.Leu869Met (NM_001330086.2, NM_004801.6); c.2494C>A, p.Leu832Met (NM_001330087.2, NM_001330096.2); c.2524C>A, p.Leu842Met (NM_001330088.2); and 4 more; short protein forms L909M, L852M, L865M, L869M, L832M, L847M, L842M, L860M.
Identifiers: ClinVar variation 93592 (VCV000093592.31), dbSNP rs201818223, ClinGen allele CA221529.